The following is an entry in ClinVar:

ClinVar aggregate classification (germline): Likely benign (1 of 4 stars; one submission).

Submission:

Laboratory for Molecular Medicine, Mass General Brigham Personalized Medicine
Classification: Likely benign. Last evaluated: 2017-03-16. Review status: criteria provided, single submitter. Criteria: LMM Criteria. Collection method: clinical testing. Allele origin: germline. Observed: 1 variant allele.
Comment: p.Ser1523Asn in exon 33 of PCDH15: This variant is not expected to have clinical significance due to a lack of conservation across species, including mammals. O f note, >5 mammals have a asparagine (Asn) at this position despite high nearby amino acid conservation. In addition, computational prediction tools do not sugg est a high likelihood of impact to the protein.

NM_033056.4(PCDH15):c.4568G>A (p.Ser1523Asn)

Gene: PCDH15 (protocadherin related 15; minus strand). Cytogenetic location: 10q21.1.
Variant type: single nucleotide variant.
Coding change: c.4568G>A on transcript NM_033056.4 (MANE Plus Clinical); coding-DNA position 4568, G replaced by A.
Protein change: p.Ser1523Asn; replaces serine 1523 with asparagine.
Molecular consequence: missense variant. On other transcripts: intron variant (8).
Genome position (GRCh38, 1-based): chr10:53,823,158, C>T on the plus strand (G>A on the coding strand, the complement: PCDH15 is on the minus strand). VCF-style: chr10-53823158-C-T. GRCh37 (hg19) VCF-style: chr10-55582918-C-T.
Other names: c.4589G>A, p.Ser1530Asn (NM_001142763.2); c.4574G>A, p.Ser1525Asn (NM_001142764.2); c.4361G>A, p.Ser1454Asn (NM_001142765.2); c.4559G>A, p.Ser1520Asn (NM_001142766.2); c.4448G>A, p.Ser1483Asn (NM_001142767.2); c.4508G>A, p.Ser1503Asn (NM_001142768.2); c.4499G>A, p.Ser1500Asn (NM_001142773.2); c.4502G>A, p.Ser1501Asn (NM_001354404.2); and 6 more; short protein forms S1523N, S1483N, S1454N, S1525N, S1500N, S1501N, S1503N, S1520N.
Identifiers: ClinVar variation 517308 (VCV000517308.5), dbSNP rs1377421029, ClinGen allele CA376527050.